The following is an entry in ClinVar:

NM_000098.3(CPT2):c.340+6T>C

Gene: CPT2 (carnitine palmitoyltransferase 2; plus strand). Cytogenetic location: 1p32.3.
Variant type: single nucleotide variant.
Coding change: c.340+6T>C on transcript NM_000098.3 (MANE Select); 6 bases into the intron after coding-DNA position 340, T replaced by C.
Molecular consequence: intron variant.
Genome position (GRCh38, 1-based): chr1:53,202,435, T>C. VCF-style: chr1-53202435-T-C. GRCh37 (hg19) VCF-style: chr1-53668107-T-C.
Other names: c.340+6T>C (NM_001330589.2).
Identifiers: ClinVar variation 1010976 (VCV001010976.5), dbSNP rs375378513, ClinGen allele CA858947.

ClinVar aggregate classification (germline): Uncertain significance. Review status: criteria provided, single submitter (1 of 4 stars). 2 submissions from 2 submitters: Uncertain significance (1). 1 of the submissions does not count toward it. Last evaluated 2022-07-19.

Conditions:
Carnitine palmitoyltransferase II deficiency. Also called: Carnitine Palmitoyltransferase 2 Deficiency. Identifiers: Orphanet 157, MedGen C0342790, MONDO:0015515.

Allele frequency attached by ClinVar (database versions not stated): ExAC 0.00001; gnomAD 0.00001 and 0.00002; TOPMed 0.00001; ESP Exome Variant Server 0.00008.
gnomAD v4.1: 10 of 1,605,120 alleles (0.00062%); highest among the groups gnomAD compares: East Asian, 0.0022%; no homozygotes.

Submissions (2):

Labcorp Genetics (formerly Invitae), Labcorp
Classification: Uncertain significance for Carnitine palmitoyltransferase II deficiency. Last evaluated: 2022-07-19. Review status: criteria provided, single submitter. Criteria: Invitae Variant Classification Sherloc (09022015). Collection method: clinical testing. Allele origin: germline.
Comment: This sequence change falls in intron 3 of the CPT2 gene. It does not directly change the encoded amino acid sequence of the CPT2 protein. It affects a nucleotide within the consensus splice site. This variant is not present in population databases (gnomAD no frequency). This variant has not been reported in the literature in individuals affected with CPT2-related conditions. ClinVar contains an entry for this variant (Variation ID: 1010976). Variants that disrupt the consensus splice site are a relatively common cause of aberrant splicing (PMID: 17576681, 9536098). Algorithms developed to predict the effect of sequence changes on RNA splicing suggest that this variant may disrupt the consensus splice site. In summary, the available evidence is currently insufficient to determine the role of this variant in disease. Therefore, it has been classified as a Variant of Uncertain Significance.

Natera, Inc.
Classification: Uncertain significance for Carnitine palmitoyltransferase II deficiency. Last evaluated: 2021-02-01. Review status: no assertion criteria provided. Collection method: clinical testing. Allele origin: germline. Not counted in ClinVar's aggregate classification.

Literature cited by the submitters: PubMed 17576681 (cited by Labcorp Genetics (formerly Invitae), Labcorp); PubMed 9536098 (cited by Labcorp Genetics (formerly Invitae), Labcorp).